The following is an entry in ClinVar:

NM_182961.4(SYNE1):c.25235C>T (p.Thr8412Ile)

Gene: SYNE1 (spectrin repeat containing nuclear envelope protein 1; minus strand). Cytogenetic location: 6q25.2.
Variant type: single nucleotide variant.
Coding change: c.25235C>T on transcript NM_182961.4 (MANE Select); coding-DNA position 25235, C replaced by T.
Protein change: p.Thr8412Ile; replaces threonine 8412 with isoleucine.
Molecular consequence: missense variant.
Genome position (GRCh38, 1-based): chr6:152,141,214, G>A on the plus strand (C>T on the coding strand, the complement: SYNE1 is on the minus strand). VCF-style: chr6-152141214-G-A. GRCh37 (hg19) VCF-style: chr6-152462349-G-A.
Other names: c.1841C>T, p.Thr614Ile (NM_001347701.2); c.1769C>T, p.Thr590Ile (NM_001347702.2); c.25091C>T, p.Thr8364Ile (NM_033071.5); short protein forms T590I, T614I, T8364I, T8412I.
Identifiers: ClinVar variation 3770037 (VCV003770037.1).
Genomic context (GRCh38, chr6:152,141,214, plus strand): 5'-TCAGGATCTTCTATTTCATTCACTCTTGAACTGGATGCTACGCACTCACCAGCCGTTTGG[G>A]TTTCGGTACTATGCAGGTTAACAAAGCCAGGAAGGCTCTCCTCTTCCTCCTTCAGTTTGT-3'
Protein context (NP_892006.3, residues 8402-8422): PGFVNLHSTE[Thr8412Ile]QTAGVIDRWE

ClinVar aggregate classification (germline): Uncertain significance (1 of 4 stars; one submission).

gnomAD v4.1: 2 of 1,614,028 alleles (0.00012%); highest among the groups gnomAD compares: Non-Finnish European, 0.00017%; no homozygotes.

Submission:

GeneDx
Classification: Uncertain significance. Last evaluated: 2024-09-17. Review status: criteria provided, single submitter. Criteria: GeneDx Variant Classification Process June 2021. Collection method: clinical testing. Allele origin: germline. Affected: yes.
Comment: Not observed at significant frequency in large population cohorts (gnomAD); In silico analysis supports that this missense variant has a deleterious effect on protein structure/function; Has not been previously published as pathogenic or benign to our knowledge